The following is an entry in ClinVar:

NM_001130438.3(SPTAN1):c.775C>T (p.Arg259Cys)

Gene: SPTAN1 (spectrin alpha, non-erythrocytic 1; plus strand). Cytogenetic location: 9q34.11.
Variant type: single nucleotide variant.
Coding change: c.775C>T on transcript NM_001130438.3 (MANE Select); coding-DNA position 775, C replaced by T.
Protein change: p.Arg259Cys; replaces arginine 259 with cysteine.
Molecular consequence: missense variant.
Genome position (GRCh38, 1-based): chr9:128,576,946, C>T. VCF-style: chr9-128576946-C-T. GRCh37 (hg19) VCF-style: chr9-131339225-C-T.
Other names: c.775C>T (NM_001130438.2); c.775C>T, p.Arg259Cys (NM_001195532.2, NM_001363759.2, NM_001363765.2 and 5 more transcripts); c.811C>T, p.Arg271Cys (NM_001375312.2, NM_001375318.1); short protein forms R271C, R259C.
Identifiers: ClinVar variation 1498445 (VCV001498445.8), dbSNP rs151150353, ClinGen allele CA5264244.

ClinVar aggregate classification (germline): Uncertain significance. Review status: criteria provided, multiple submitters, no conflicts (2 of 4 stars). 2 submissions from 2 submitters: Uncertain significance (2). Last evaluated 2025-08-22.

Conditions:
Early-infantile DEE. Also called: Ohtahara syndrome; Early infantile epileptic encephalopathy; Early infantile epileptic encephalopathy with suppression bursts. Identifiers: Orphanet 1934, MedGen C0393706, MONDO:0800491.
Inborn genetic diseases. Identifiers: MedGen C0950123, MeSH D030342.

Allele frequency attached by ClinVar (database versions not stated): gnomAD 0.00001; gnomAD exomes 0.00001 and 0.00002; TOPMed 0.00001; ExAC 0.00002; ESP Exome Variant Server 0.00008.
gnomAD v4.1: 19 of 1,613,998 alleles (0.0012%); highest among the groups gnomAD compares: Non-Finnish European, 0.0014%; no homozygotes.

Submissions (2):

Ambry Genetics
Classification: Uncertain significance for Inborn genetic diseases. Last evaluated: 2025-08-22. Review status: criteria provided, single submitter. Criteria: Ambry Variant Classification Scheme 2023. Collection method: clinical testing. Allele origin: germline.

Labcorp Genetics (formerly Invitae), Labcorp
Classification: Uncertain significance for Early-infantile DEE. Last evaluated: 2025-07-07. Review status: criteria provided, single submitter. Criteria: Invitae Variant Classification Sherloc (09022015). Collection method: clinical testing. Allele origin: germline.
Comment: This sequence change replaces arginine, which is basic and polar, with cysteine, which is neutral and slightly polar, at codon 259 of the SPTAN1 protein (p.Arg259Cys). This variant is present in population databases (rs151150353, gnomAD 0.003%). This variant has not been reported in the literature in individuals affected with SPTAN1-related conditions. ClinVar contains an entry for this variant (Variation ID: 1498445). Invitae Evidence Modeling of protein sequence and biophysical properties (such as structural, functional, and spatial information, amino acid conservation, physicochemical variation, residue mobility, and thermodynamic stability) has been performed for this missense variant. However, the output from this modeling did not meet the statistical confidence thresholds required to predict the impact of this variant on SPTAN1 protein function. In summary, the available evidence is currently insufficient to determine the role of this variant in disease. Therefore, it has been classified as a Variant of Uncertain Significance.